The following is an entry in ClinVar:

ClinVar aggregate classification (germline): Pathogenic (1 of 4 stars; one submission).

Submission:

Labcorp Genetics (formerly Invitae), Labcorp
Classification: Pathogenic. Last evaluated: 2023-08-24. Review status: criteria provided, single submitter. Criteria: Invitae Variant Classification Sherloc (09022015). Collection method: clinical testing. Allele origin: germline.
Comment: This sequence change creates a premature translational stop signal (p.Gln5061Lysfs*4) in the PCLO gene. It is expected to result in an absent or disrupted protein product. Loss-of-function variants in PCLO are known to be pathogenic (PMID: 25832664, 30287594). This variant is not present in population databases (gnomAD no frequency). This variant has not been reported in the literature in individuals affected with PCLO-related conditions. ClinVar contains an entry for this variant (Variation ID: 2018063). For these reasons, this variant has been classified as Pathogenic.

Literature cited by the submitters: PubMed 25832664; PubMed 30287594.

NM_033026.6(PCLO):c.15181del (p.Gln5061fs)

Gene: PCLO (piccolo presynaptic cytomatrix protein; minus strand). Cytogenetic location: 7q21.11.
Variant type: Deletion.
Coding change: c.15181del on transcript NM_033026.6 (MANE Select); coding-DNA position 15181, one base deleted (C; older notation c.15181delC).
Protein change: p.Gln5061fs; shifts the reading frame from glutamine 5061.
Molecular consequence: frameshift variant.
Genome position (GRCh38, 1-based): chr7:82,760,746, G deleted on the plus strand (C on the coding strand, the reverse complement: PCLO is on the minus strand); the first of 3 consecutive G bases (chr7:82,760,746-82,760,748); deleting any one gives the same sequence. VCF-style (leftmost placement, unchanged base first): chr7-82760745-TG-T. GRCh37 (hg19) VCF-style: chr7-82390061-TG-T.
Other names: short protein forms Q5061fs.
Identifiers: ClinVar variation 2018063 (VCV002018063.4), dbSNP rs2535092724, ClinGen allele CA2580077402.